The following is an entry in ClinVar:

ClinVar aggregate classification (germline): Uncertain significance (1 of 4 stars; one submission).

Submission:

Labcorp Genetics (formerly Invitae), Labcorp
Classification: Uncertain significance. Last evaluated: 2019-01-13. Review status: criteria provided, single submitter. Criteria: Invitae Variant Classification Sherloc (09022015). Collection method: clinical testing. Allele origin: germline.
Comment: In summary, the available evidence is currently insufficient to determine the role of this variant in disease. Therefore, it has been classified as a Variant of Uncertain Significance. Algorithms developed to predict the effect of missense changes on protein structure and function (SIFT, PolyPhen-2, Align-GVGD) all suggest that this variant is likely to be disruptive, but these predictions have not been confirmed by published functional studies and their clinical significance is uncertain. This variant has not been reported in the literature in individuals with POLE-related conditions. This variant is not present in population databases (ExAC no frequency). This sequence change replaces histidine with proline at codon 624 of the POLE protein (p.His624Pro). The histidine residue is highly conserved and there is a moderate physicochemical difference between histidine and proline.

NM_006231.4(POLE):c.1871A>C (p.His624Pro)

Gene: POLE (DNA polymerase epsilon, catalytic subunit; minus strand). Cytogenetic location: 12q24.33.
Variant type: single nucleotide variant.
Coding change: c.1871A>C on transcript NM_006231.4 (MANE Select); coding-DNA position 1871, A replaced by C.
Protein change: p.His624Pro; replaces histidine 624 with proline.
Molecular consequence: missense variant.
Genome position (GRCh38, 1-based): chr12:132,668,863, T>G on the plus strand (A>C on the coding strand, the complement: POLE is on the minus strand). VCF-style: chr12-132668863-T-G. GRCh37 (hg19) VCF-style: chr12-133245449-T-G.
Other names: short protein forms H624P.
Identifiers: ClinVar variation 840940 (VCV000840940.9), dbSNP rs2042859694, ClinGen allele CA387355411.